The following is an entry in ClinVar:

ClinVar aggregate classification (germline): Likely pathogenic. Review status: criteria provided, multiple submitters, no conflicts (2 of 4 stars). 2 submissions from 2 submitters: Likely pathogenic (2). Last evaluated 2023-06-27.

Conditions:
Branchiooculofacial syndrome (BOFS). Also called: BOF SYNDROME; HEMANGIOMATOUS BRANCHIAL CLEFTS-LIP PSEUDOCLEFT SYNDROME; LIP PSEUDOCLEFT-HEMANGIOMATOUS BRANCHIAL CYST SYNDROME; Branchio-Oculo-Facial Syndrome. Identifiers: Orphanet 1297, MedGen C0376524, MeSH D019280, MONDO:0007235, OMIM 113620.

Submissions (2):

GeneDx
Classification: Likely pathogenic. Last evaluated: 2023-06-27. Review status: criteria provided, single submitter. Criteria: GeneDx Variant Classification Process June 2021. Collection method: clinical testing. Allele origin: germline. Affected: yes.
Comment: Observed in multiple individuals from a single family with clinical features of TFAP2A-related branchiooculofacial syndrome (Titheradge et al., 2015); Not observed at significant frequency in large population cohorts (gnomAD); In silico analysis supports that this missense variant has a deleterious effect on protein structure/function; Also known as c.703G >A (p.Glu235Lys); This variant is associated with the following publications: (PMID: 25325185)

Center for Human Genetics, Inc
Classification: Likely pathogenic for Branchiooculofacial syndrome. Last evaluated: 2016-11-01. Review status: criteria provided, single submitter. Criteria: ACMG Guidelines, 2015. Collection method: clinical testing. Allele origin: germline. Affected: yes.

NM_001372066.1(TFAP2A):c.703G>A (p.Glu235Lys)

Genes: TFAP2A (transcription factor AP-2 alpha; minus strand), TFAP2A-AS2 (TFAP2A antisense RNA 2; plus strand), LOC121740638 (BRD4-independent group 4 enhancer GRCh37_chr6:10403277-10404476; plus strand). Cytogenetic location: 6p24.3.
Variant type: single nucleotide variant.
Coding change: c.703G>A on transcript NM_001372066.1 (MANE Select); coding-DNA position 703, G replaced by A.
Protein change: p.Glu235Lys; replaces glutamic acid 235 with lysine.
Molecular consequence: missense variant. On other transcripts: non-coding transcript variant (1).
Genome position (GRCh38, 1-based): chr6:10,404,575, C>T on the plus strand (G>A on the coding strand, the complement: TFAP2A is on the minus strand). VCF-style: chr6-10404575-C-T. GRCh37 (hg19) VCF-style: chr6-10404808-C-T.
Other names: c.679G>A, p.Glu227Lys (NM_001032280.3); c.685G>A, p.Glu229Lys (NM_001042425.3); short protein forms E227K, E229K, E235K.
Identifiers: ClinVar variation 547797 (VCV000547797.2), dbSNP rs1554111751, ClinGen allele CA362701304.